The following is an entry in ClinVar:

ClinVar aggregate classification (germline): Uncertain significance (1 of 4 stars; one submission).

Conditions:
CD36-related disorder. Also called: CD36-related condition; CD36-related disorders.

gnomAD v4.1: 5 of 1,561,050 alleles (0.00032%); highest among the groups gnomAD compares: Non-Finnish European, 0.00035%; no homozygotes.

Submission:

PreventionGenetics, part of Exact Sciences
Classification: Uncertain significance for CD36-related condition. Last evaluated: 2026-03-02. Review status: criteria provided, single submitter. Criteria: ACMG Guidelines, 2015. Collection method: clinical testing. Allele origin: germline.
Comment: The CD36 c.1224C>A variant is predicted to result in the amino acid substitution p.Asn408Lys. To our knowledge, this variant has not been reported in the literature or in a large population database (gnomAD), indicating this variant is rare. At this time, the clinical significance of this variant is uncertain due to the absence of conclusive functional and genetic evidence.

NM_001001548.3(CD36):c.1224C>A (p.Asn408Lys)

Gene: CD36 (CD36 molecule (CD36 blood group); plus strand). Cytogenetic location: 7q21.11.
Variant type: single nucleotide variant.
Coding change: c.1224C>A on transcript NM_001001548.3 (MANE Select); coding-DNA position 1224, C replaced by A.
Protein change: p.Asn408Lys; replaces asparagine 408 with lysine.
Molecular consequence: missense variant. On other transcripts: non-coding transcript variant (1).
Genome position (GRCh38, 1-based): chr7:80,673,379, C>A. VCF-style: chr7-80673379-C-A. GRCh37 (hg19) VCF-style: chr7-80302695-C-A.
Other names: c.1224C>A, p.Asn408Lys (NM_000072.3, NM_001001547.3, NM_001127443.2 and 5 more transcripts); c.1107C>A, p.Asn369Lys (NM_001289908.1); c.1044C>A, p.Asn348Lys (NM_001289909.1); c.996C>A, p.Asn332Lys (NM_001289911.2); c.1122C>A, p.Asn374Lys (NM_001371079.1); c.759C>A, p.Asn253Lys (NM_001371080.1, NM_001371081.1); short protein forms N369K, N374K, N408K, N253K, N332K, N348K.
Identifiers: ClinVar variation 4980106 (VCV004980106.1).